The following is an entry in ClinVar:

NM_139343.3(BIN1):c.857+4C>T

Gene: BIN1 (bridging integrator 1; minus strand). Cytogenetic location: 2q14.3.
Variant type: single nucleotide variant.
Coding change: c.857+4C>T on transcript NM_139343.3 (MANE Select); 4 bases into the intron after coding-DNA position 857, C replaced by T.
Molecular consequence: intron variant.
Genome position (GRCh38, 1-based): chr2:127,062,111, G>A on the plus strand (C>T on the coding strand, the complement: BIN1 is on the minus strand). VCF-style: chr2-127062111-G-A. GRCh37 (hg19) VCF-style: chr2-127819687-G-A.
Other names: c.776+4C>T (NM_001320642.1); c.692+4C>T (NM_001320634.1); c.764+4C>T (NM_139351.3, NM_139350.3, NM_139349.3 and 6 more transcripts); c.857+4C>T (NM_001320633.2, NM_139345.3, NM_139344.3 and 1 more transcripts).
Identifiers: ClinVar variation 530865 (VCV000530865.10), dbSNP rs61748156, ClinGen allele CA1857310.
Genomic context (GRCh38, chr2:127,062,111, plus strand): 5'-CAGGAAGGAGCCCTGCCCCTGCCGTGCACACAGTCAGGGGCGCCAGGGCTCTCCCCGCAC[G>A]CACCTGGGCTGGGCCTTGACCGTGAAGGTGTTGCTCCCGTGTTGCTTCTCCAGGCCGACC-3'

ClinVar aggregate classification (germline): Uncertain significance (1 of 4 stars; one submission).

Conditions:
Myopathy, centronuclear, 2 (CNM2). Also called: MYOTUBULAR MYOPATHY, AUTOSOMAL RECESSIVE. Identifiers: Orphanet 169186, MedGen CN031787, MONDO:0009709, OMIM 255200.

Allele frequency attached by ClinVar (database versions not stated): 1000 Genomes Project 0.00020; 1000 Genomes Project 30x 0.00031; TOPMed 0.00011; gnomAD 0.00010; ExAC 0.00012.
gnomAD v4.1: 62 of 1,603,684 alleles (0.0039%); highest among the groups gnomAD compares: South Asian, 0.036%; no homozygotes.

Submission:

Labcorp Genetics (formerly Invitae), Labcorp
Classification: Uncertain significance for Myopathy, centronuclear, 2. Last evaluated: 2025-12-09. Review status: criteria provided, single submitter. Criteria: Invitae Variant Classification Sherloc (09022015). Collection method: clinical testing. Allele origin: germline.
Comment: This sequence change falls in intron 10 of the BIN1 gene. It does not directly change the encoded amino acid sequence of the BIN1 protein. It affects a nucleotide within the consensus splice site. This variant is present in population databases (rs61748156, gnomAD 0.04%). This variant has not been reported in the literature in individuals affected with BIN1-related conditions. ClinVar contains an entry for this variant (Variation ID: 530865). Variants that disrupt the consensus splice site are a relatively common cause of aberrant splicing (PMID: 17576681, 9536098). Algorithms developed to predict the effect of sequence changes on RNA splicing suggest that this variant is not likely to affect RNA splicing. In summary, the available evidence is currently insufficient to determine the role of this variant in disease. Therefore, it has been classified as a Variant of Uncertain Significance.

Literature cited by the submitters: PubMed 17576681; PubMed 9536098.